The following is an entry in ClinVar:

ClinVar aggregate classification (germline): Uncertain significance (1 of 4 stars; one submission).

Conditions:
STAT3 gain of function. Identifiers: MedGen C4288261.
Hyper-IgE recurrent infection syndrome 1, autosomal dominant. Also called: JOB SYNDROME; Job's Syndrome; STAT3 Hyper IgE Syndrome; Hyper-IgE recurrent infection syndrome 1; HYPER-IgE SYNDROME 1, AUTOSOMAL DOMINANT, WITH RECURRENT INFECTIONS. Identifiers: Orphanet 2314, MedGen C2936739, MONDO:0007818, OMIM 147060.

Submission:

Labcorp Genetics (formerly Invitae), Labcorp
Classification: Uncertain significance for STAT3 gain of function; Hyper-IgE recurrent infection syndrome 1, autosomal dominant. Last evaluated: 2022-05-17. Review status: criteria provided, single submitter. Criteria: Invitae Variant Classification Sherloc (09022015). Collection method: clinical testing. Allele origin: germline.
Comment: This sequence change replaces asparagine, which is neutral and polar, with histidine, which is basic and polar, at codon 191 of the STAT3 protein (p.Asn191His). This variant is not present in population databases (gnomAD no frequency). This variant has not been reported in the literature in individuals affected with STAT3-related conditions. Advanced modeling of protein sequence and biophysical properties (such as structural, functional, and spatial information, amino acid conservation, physicochemical variation, residue mobility, and thermodynamic stability) performed at Invitae indicates that this missense variant is not expected to disrupt STAT3 protein function. In summary, the available evidence is currently insufficient to determine the role of this variant in disease. Therefore, it has been classified as a Variant of Uncertain Significance.

NM_139276.3(STAT3):c.571A>C (p.Asn191His)

Genes: STAT3 (signal transducer and activator of transcription 3; minus strand), LOC130060889 (ATAC-STARR-seq lymphoblastoid silent region 8525; plus strand). Cytogenetic location: 17q21.2.
Variant type: single nucleotide variant.
Coding change: c.571A>C on transcript NM_139276.3 (MANE Select); coding-DNA position 571, A replaced by C.
Protein change: p.Asn191His; replaces asparagine 191 with histidine.
Molecular consequence: missense variant.
Genome position (GRCh38, 1-based): chr17:42,337,837, T>G on the plus strand (A>C on the coding strand, the complement: STAT3 is on the minus strand). VCF-style: chr17-42337837-T-G. GRCh37 (hg19) VCF-style: chr17-40489855-T-G.
Other names: c.571A>C, p.Asn191His (NM_001369512.1, NM_001369513.1, NM_001369514.1 and 15 more transcripts); c.493A>C, p.Asn165His (NM_001384985.1); c.475A>C, p.Asn159His (NM_001384989.1); short protein forms N165H, N159H, N191H.
Identifiers: ClinVar variation 2114430 (VCV002114430.4), dbSNP rs2509438716, ClinGen allele CA399594519.